The following is an entry in ClinVar:

ClinVar aggregate classification (germline): Uncertain significance. Review status: criteria provided, multiple submitters, no conflicts (2 of 4 stars). 2 submissions from 2 submitters: Uncertain significance (2). Last evaluated 2026-06-14.

Conditions:
Inborn genetic diseases. Identifiers: MedGen C0950123, MeSH D030342.

Submissions (2):

Ambry Genetics
Classification: Uncertain significance for Inborn genetic diseases. Last evaluated: 2026-06-14. Review status: criteria provided, single submitter. Criteria: Ambry Variant Classification Scheme 2023. Collection method: clinical testing. Allele origin: germline.
Comment: The p.T286A variant (also known as c.856A>G), located in coding exon 6 of the MECOM gene, results from an A to G substitution at nucleotide position 856. The threonine at codon 286 is replaced by alanine, an amino acid with similar properties. This amino acid position is conserved. In addition, this alteration is predicted to be tolerated by in silico analysis. Based on the available evidence, the clinical significance of this variant remains unclear.

Labcorp Genetics (formerly Invitae), Labcorp
Classification: Uncertain significance. Last evaluated: 2023-06-16. Review status: criteria provided, single submitter. Criteria: Invitae Variant Classification Sherloc (09022015). Collection method: clinical testing. Allele origin: germline.
Comment: In summary, the available evidence is currently insufficient to determine the role of this variant in disease. Therefore, it has been classified as a Variant of Uncertain Significance. An algorithm developed to predict the effect of missense changes on protein structure and function (PolyPhen-2) suggests that this variant is likely to be tolerated. This variant has not been reported in the literature in individuals affected with MECOM-related conditions. This variant is not present in population databases (gnomAD no frequency). This sequence change replaces threonine, which is neutral and polar, with alanine, which is neutral and non-polar, at codon 98 of the MECOM protein (p.Thr98Ala).

NM_004991.4(MECOM):c.856A>G (p.Thr286Ala)

Gene: MECOM (MDS1 and EVI1 complex locus; minus strand). Cytogenetic location: 3q26.2.
Variant type: single nucleotide variant.
Coding change: c.856A>G on transcript NM_004991.4 (MANE Select); coding-DNA position 856, A replaced by G.
Protein change: p.Thr286Ala; replaces threonine 286 with alanine.
Molecular consequence: missense variant.
Genome position (GRCh38, 1-based): chr3:169,122,702, T>C on the plus strand (A>G on the coding strand, the complement: MECOM is on the minus strand). VCF-style: chr3-169122702-T-C. GRCh37 (hg19) VCF-style: chr3-168840490-T-C.
Other names: c.856A>G (NM_004991.3); c.484A>G, p.Thr162Ala (NM_001105077.4); c.292A>G, p.Thr98Ala (NM_001105078.4, NM_001163999.2, NM_001164000.2 and 9 more transcripts); c.856A>G, p.Thr286Ala (NM_001366466.2, NM_001366473.2); short protein forms T286A, T98A, T162A.
Identifiers: ClinVar variation 2717816 (VCV002717816.4), dbSNP rs2549458040, ClinGen allele CA355067672.